The following is an entry in ClinVar:

ClinVar aggregate classification (germline): Uncertain significance. Review status: criteria provided, multiple submitters, no conflicts (2 of 4 stars). 2 submissions from 2 submitters: Uncertain significance (2). Last evaluated 2024-04-05.

Conditions:
Congenital muscular hypertrophy-cerebral syndrome (CDLS2). Also called: Cornelia de Lange syndrome 2; SMC1A-Related Cornelia de Lange Syndrome. Identifiers: Orphanet 199, MedGen C1802395, MONDO:0010370, OMIM 300590.

Submissions (2):

GeneDx
Classification: Uncertain significance. Last evaluated: 2024-04-05. Review status: criteria provided, single submitter. Criteria: GeneDx Variant Classification Process June 2021. Collection method: clinical testing. Allele origin: germline. Affected: yes.
Comment: Not observed at significant frequency in large population cohorts (gnomAD); In silico analysis suggests this variant may impact gene splicing. In the absence of RNA/functional studies, the actual effect of this sequence change is unknown.; Has not been previously published as pathogenic or benign to our knowledge

Labcorp Genetics (formerly Invitae), Labcorp
Classification: Uncertain significance for Congenital muscular hypertrophy-cerebral syndrome. Last evaluated: 2023-10-13. Review status: criteria provided, single submitter. Criteria: Invitae Variant Classification Sherloc (09022015). Collection method: clinical testing. Allele origin: germline.
Comment: This sequence change falls in intron 16 of the SMC1A gene. It does not directly change the encoded amino acid sequence of the SMC1A protein. It affects a nucleotide within the consensus splice site. This variant is not present in population databases (gnomAD no frequency). This variant has not been reported in the literature in individuals affected with SMC1A-related conditions. Variants that disrupt the consensus splice site are a relatively common cause of aberrant splicing (PMID: 17576681, 9536098). Algorithms developed to predict the effect of sequence changes on RNA splicing suggest that this variant may create or strengthen a splice site. In summary, the available evidence is currently insufficient to determine the role of this variant in disease. Therefore, it has been classified as a Variant of Uncertain Significance.

Literature cited by the submitters: PubMed 17576681 (cited by Labcorp Genetics (formerly Invitae), Labcorp); PubMed 9536098 (cited by Labcorp Genetics (formerly Invitae), Labcorp).

NM_006306.4(SMC1A):c.2563-3C>G

Gene: SMC1A (structural maintenance of chromosomes 1A; minus strand). Cytogenetic location: Xp11.22.
Variant type: single nucleotide variant.
Coding change: c.2563-3C>G on transcript NM_006306.4 (MANE Select); 3 bases into the intron before coding-DNA position 2563, C replaced by G.
Molecular consequence: intron variant.
Genome position (GRCh38, 1-based): chrX:53,396,620, G>C on the plus strand (C>G on the coding strand, the complement: SMC1A is on the minus strand). VCF-style: chrX-53396620-G-C. GRCh37 (hg19) VCF-style: chrX-53423540-G-C.
Other names: c.2497-3C>G (NM_001281463.1).
Identifiers: ClinVar variation 2835693 (VCV002835693.4), dbSNP rs372708074, ClinGen allele CA2579615676.